The following is an entry in ClinVar:

NM_002907.4(RECQL):c.773C>T (p.Thr258Ile)

Gene: RECQL (RecQ like helicase; minus strand). Cytogenetic location: 12p12.1.
Variant type: single nucleotide variant.
Coding change: c.773C>T on transcript NM_002907.4 (MANE Select); coding-DNA position 773, C replaced by T.
Protein change: p.Thr258Ile; replaces threonine 258 with isoleucine.
Molecular consequence: missense variant.
Genome position (GRCh38, 1-based): chr12:21,477,897, G>A on the plus strand (C>T on the coding strand, the complement: RECQL is on the minus strand). VCF-style: chr12-21477897-G-A. GRCh37 (hg19) VCF-style: chr12-21630831-G-A.
Other names: c.773C>T, p.Thr258Ile (NM_032941.3); short protein forms T258I.
Identifiers: ClinVar variation 1760390 (VCV001760390.8), dbSNP rs1943116467, ClinGen allele CA384124664.

ClinVar aggregate classification (germline): Uncertain significance. Review status: criteria provided, multiple submitters, no conflicts (2 of 4 stars). 2 submissions from 2 submitters: Uncertain significance (2). Last evaluated 2024-09-23.

Allele frequency attached by ClinVar (database versions not stated): TOPMed below 0.00001.

Submissions (2):

Ambry Genetics
Classification: Uncertain significance. Last evaluated: 2024-09-23. Review status: criteria provided, single submitter. Criteria: Ambry Variant Classification Scheme 2023. Collection method: clinical testing. Allele origin: germline.
Comment: The p.T258I variant (also known as c.773C>T), located in coding exon 6 of the RECQL gene, results from a C to T substitution at nucleotide position 773. The threonine at codon 258 is replaced by isoleucine, an amino acid with similar properties. This amino acid position is conserved. In addition, the in silico prediction for this alteration is inconclusive. Since supporting evidence is limited at this time, the clinical significance of this alteration remains unclear.

Labcorp Genetics (formerly Invitae), Labcorp
Classification: Uncertain significance. Last evaluated: 2023-08-11. Review status: criteria provided, single submitter. Criteria: Invitae Variant Classification Sherloc (09022015). Collection method: clinical testing. Allele origin: germline.
Comment: In summary, the available evidence is currently insufficient to determine the role of this variant in disease. Therefore, it has been classified as a Variant of Uncertain Significance. Advanced modeling of protein sequence and biophysical properties (such as structural, functional, and spatial information, amino acid conservation, physicochemical variation, residue mobility, and thermodynamic stability) performed at Invitae indicates that this missense variant is expected to disrupt RECQL protein function. ClinVar contains an entry for this variant (Variation ID: 1760390). This variant has not been reported in the literature in individuals affected with RECQL-related conditions. This variant is not present in population databases (gnomAD no frequency). This sequence change replaces threonine, which is neutral and polar, with isoleucine, which is neutral and non-polar, at codon 258 of the RECQL protein (p.Thr258Ile).